The following is an entry in ClinVar:

NM_000038.6(APC):c.1977del (p.Asn659fs)

Gene: APC (APC regulator of Wnt signaling pathway; plus strand). Cytogenetic location: 5q22.2.
Variant type: Deletion.
Coding change: c.1977del on transcript NM_000038.6 (MANE Select); coding-DNA position 1977, one base deleted (C; older notation c.1977delC).
Protein change: p.Asn659fs; shifts the reading frame from asparagine 659.
Molecular consequence: frameshift variant. On other transcripts: non-coding transcript variant (2).
Genome position (GRCh38, 1-based): chr5:112,837,571, C deleted. VCF-style (leftmost placement, unchanged base first): chr5-112837570-AC-A. GRCh37 (hg19) VCF-style: chr5-112173267-AC-A.
Other names: c.1977del, p.Asn659fs (NM_001127510.3, NM_001354895.2, NM_001407450.1); c.1923del, p.Asn641fs (NM_001127511.3); c.2031del, p.Asn677fs (NM_001354896.2, NM_001407447.1, NM_001407448.1 and 1 more transcripts); c.2007del, p.Asn669fs (NM_001354897.2); c.1902del, p.Asn634fs (NM_001354898.2); c.1893del, p.Asn631fs (NM_001354899.2); c.1854del, p.Asn618fs (NM_001354900.2); c.1800del, p.Asn600fs (NM_001354901.2, NM_001407453.1); and 11 more; short protein forms N275fs, N376fs, N499fs, N530fs, N533fs, N558fs, N568fs, N576fs.
Identifiers: ClinVar variation 2584040 (VCV002584040.5), dbSNP rs2533388646, ClinGen allele CA2582341406.

ClinVar aggregate classification (germline): Pathogenic. Review status: criteria provided, multiple submitters, no conflicts (2 of 4 stars). 2 submissions from 2 submitters: Pathogenic (2). Last evaluated 2023-10-11.

Conditions:
Familial adenomatous polyposis 1 (FAP1). Also called: FAMILIAL ADENOMATOUS POLYPOSIS 1, ATTENUATED; POLYPOSIS, ADENOMATOUS INTESTINAL. Identifiers: MedGen C2713442, MONDO:0021056, OMIM 175100. Disease mechanism: loss of function.

Submissions (2):

Labcorp Genetics (formerly Invitae), Labcorp
Classification: Pathogenic for Familial adenomatous polyposis 1. Last evaluated: 2023-10-11. Review status: criteria provided, single submitter. Criteria: Invitae Variant Classification Sherloc (09022015). Collection method: clinical testing. Allele origin: germline.
Comment: This sequence change creates a premature translational stop signal (p.Asn659Lysfs*11) in the APC gene. While this is not anticipated to result in nonsense mediated decay, it is expected to disrupt the last 2185 amino acid(s) of the APC protein. This variant is not present in population databases (gnomAD no frequency). This variant has not been reported in the literature in individuals affected with APC-related conditions. This variant is expected to disrupt the EB1 and HDLG binding sites, which mediate interactions with the cytoskeleton (PMID: 15311282, 17293347). While functional studies have not been performed to directly test the effect on APC protein function, this suggests that disruption of the C-terminal portion of the protein is functionally important. A different truncation (p.Tyr2645Lysfs*14) that lies downstream of this variant has been determined to be pathogenic (PMID: 9824584, 1316610, 27081525, 8381579, 22135120, Invitae). This suggests that deletion of this region of the APC protein is causative of disease. For these reasons, this variant has been classified as Pathogenic.

Myriad Genetics, Inc.
Classification: Pathogenic for Familial adenomatous polyposis 1. Last evaluated: 2023-05-03. Review status: criteria provided, single submitter. Criteria: Myriad Autosomal Dominant, Autosomal Recessive and X-Linked Classification Criteria (2023). Collection method: clinical testing. Allele origin: unknown.
Comment: This variant is considered pathogenic. This variant creates a frameshift predicted to result in premature protein truncation.

Literature cited by the submitters: PubMed 15311282 (cited by Labcorp Genetics (formerly Invitae), Labcorp); PubMed 17293347 (cited by Labcorp Genetics (formerly Invitae), Labcorp); PubMed 9824584 (cited by Labcorp Genetics (formerly Invitae), Labcorp); PubMed 1316610 (cited by Labcorp Genetics (formerly Invitae), Labcorp); PubMed 27081525 (cited by Labcorp Genetics (formerly Invitae), Labcorp); PubMed 8381579 (cited by Labcorp Genetics (formerly Invitae), Labcorp); PubMed 22135120 (cited by Labcorp Genetics (formerly Invitae), Labcorp).